The following is an entry in ClinVar:

ClinVar aggregate classification (germline): Uncertain significance (1 of 4 stars; one submission).

Conditions:
TNF receptor-associated periodic fever syndrome (TRAPS) (FPF). Also called: FAMILIAL HIBERNIAN FEVER; Autosomal Dominant Familial Periodic Fever; TNF Receptor-Associated Periodic Fever Syndrome; TNF receptor 1-associated periodic fever syndrome; TNF RECEPTOR-ASSOCIATED PERIODIC SYNDROME; TUMOR NECROSIS FACTOR RECEPTOR-ASSOCIATED PERIODIC SYNDROME. Identifiers: Orphanet 32960, MedGen C1275126, MONDO:0007727, OMIM 142680.

Submission:

Labcorp Genetics (formerly Invitae), Labcorp
Classification: Uncertain significance for TNF receptor-associated periodic fever syndrome (TRAPS). Last evaluated: 2022-09-27. Review status: criteria provided, single submitter. Criteria: Invitae Variant Classification Sherloc (09022015). Collection method: clinical testing. Allele origin: germline.
Comment: This sequence change replaces lysine, which is basic and polar, with threonine, which is neutral and polar, at codon 372 of the TNFRSF1A protein (p.Lys372Thr). In summary, the available evidence is currently insufficient to determine the role of this variant in disease. Therefore, it has been classified as a Variant of Uncertain Significance. Advanced modeling of protein sequence and biophysical properties (such as structural, functional, and spatial information, amino acid conservation, physicochemical variation, residue mobility, and thermodynamic stability) has been performed at Invitae for this missense variant, however the output from this modeling did not meet the statistical confidence thresholds required to predict the impact of this variant on TNFRSF1A protein function. ClinVar contains an entry for this variant (Variation ID: 652548). This variant has not been reported in the literature in individuals affected with TNFRSF1A-related conditions. This variant is not present in population databases (gnomAD no frequency).

NM_001065.4(TNFRSF1A):c.1115A>C (p.Lys372Thr)

Gene: TNFRSF1A (TNF receptor superfamily member 1A; minus strand). Cytogenetic location: 12p13.31.
Variant type: single nucleotide variant.
Coding change: c.1115A>C on transcript NM_001065.4 (MANE Select); coding-DNA position 1115, A replaced by C.
Protein change: p.Lys372Thr; replaces lysine 372 with threonine.
Molecular consequence: missense variant. On other transcripts: non-coding transcript variant (1).
Genome position (GRCh38, 1-based): chr12:6,329,565, T>G on the plus strand (A>C on the coding strand, the complement: TNFRSF1A is on the minus strand). VCF-style: chr12-6329565-T-G. GRCh37 (hg19) VCF-style: chr12-6438731-T-G.
Other names: c.791A>C, p.Lys264Thr (NM_001346091.2); c.656A>C, p.Lys219Thr (NM_001346092.2); short protein forms K219T, K372T, K264T.
Identifiers: ClinVar variation 652548 (VCV000652548.8), dbSNP rs1592043327, ClinGen allele CA383545384.